The following is an entry in ClinVar:

ClinVar aggregate classification (germline): Likely benign. Review status: criteria provided, multiple submitters, no conflicts (2 of 4 stars). 4 submissions from 4 submitters: Likely benign (4). Last evaluated 2026-01-13.

Conditions:
Primary ciliary dyskinesia. Also called: Ciliary dyskinesia. Identifiers: Orphanet 244, MedGen C0008780, MONDO:0016575, HP:0012265.

Allele frequency attached by ClinVar (database versions not stated): gnomAD 0.00024 and 0.00025; TOPMed 0.00030; gnomAD exomes 0.00049; ESP Exome Variant Server 0.00050; ExAC 0.00065; 1000 Genomes Project 0.00120; 1000 Genomes Project 30x 0.00141.
gnomAD v4.1: 606 of 1,609,516 alleles (0.038%); highest among the groups gnomAD compares: Middle Eastern, 1.1%; 3 homozygotes.

Submissions (4):

Labcorp Genetics (formerly Invitae), Labcorp
Classification: Likely benign for Primary ciliary dyskinesia. Last evaluated: 2026-01-13. Review status: criteria provided, single submitter. Criteria: Invitae Variant Classification Sherloc (09022015). Collection method: clinical testing. Allele origin: germline.

Blueprint Genetics
Classification: Likely benign. Last evaluated: 2024-11-11. Review status: criteria provided, single submitter. Criteria: ACMG Guidelines, 2015. Collection method: clinical testing. Allele origin: germline.

Laboratory for Molecular Medicine, Mass General Brigham Personalized Medicine
Classification: Likely benign. Last evaluated: 2017-04-03. Review status: criteria provided, single submitter. Criteria: LMM Criteria. Collection method: clinical testing. Allele origin: germline. Observed: 1 variant allele.
Comment: c.4945-12T>C in intron 28 of DNAH11: This variant is not expected to have clinic al significance because a T>C change at this position does not diverge from the splice consensus sequence and is therefore unlikely to impact splicing. It has b een identified in 0.1% (48/53352) of European chromosomes by the Exome Aggregati on Consortium (ExAC; dbSNP rs141572016).

PreventionGenetics, part of Exact Sciences
Classification: Likely benign. Review status: criteria provided, single submitter. Criteria: ACMG Guidelines, 2015. Collection method: clinical testing. Allele origin: germline.

NM_001277115.2(DNAH11):c.4945-12T>C

Gene: DNAH11 (dynein axonemal heavy chain 11; plus strand). Cytogenetic location: 7p15.3.
Variant type: single nucleotide variant.
Coding change: c.4945-12T>C on transcript NM_001277115.2 (MANE Select); 12 bases into the intron before coding-DNA position 4945, T replaced by C.
Molecular consequence: intron variant.
Genome position (GRCh38, 1-based): chr7:21,655,820, T>C. VCF-style: chr7-21655820-T-C. GRCh37 (hg19) VCF-style: chr7-21695438-T-C.
Identifiers: ClinVar variation 257901 (VCV000257901.18), dbSNP rs141572016, ClinGen allele CA4180251.
Genomic context (GRCh38, chr7:21,655,820, plus strand): 5'-CATCATCTCTAGATTATCAGAATATACCTACAGTAAGAAATGTTCTTATCTTTTCTAATA[T>C]TCTCATTTTAGGTAACATGTCACCTTGCCAAACTTTTCGACAGCATTGCAGATCTGCAGT-3'